The following is an entry in ClinVar:

ClinVar aggregate classification (germline): Uncertain significance (1 of 4 stars; one submission).

Allele frequency attached by ClinVar (database versions not stated): gnomAD exomes below 0.00001; TOPMed below 0.00001; gnomAD 0.00001.

Submission:

Labcorp Genetics (formerly Invitae), Labcorp
Classification: Uncertain significance. Last evaluated: 2022-07-12. Review status: criteria provided, single submitter. Criteria: Invitae Variant Classification Sherloc (09022015). Collection method: clinical testing. Allele origin: germline.
Comment: In summary, the available evidence is currently insufficient to determine the role of this variant in disease. Therefore, it has been classified as a Variant of Uncertain Significance. Algorithms developed to predict the effect of missense changes on protein structure and function are either unavailable or do not agree on the potential impact of this missense change (SIFT: "Deleterious"; PolyPhen-2: "Probably Damaging"; Align-GVGD: "Class C0"). ClinVar contains an entry for this variant (Variation ID: 1348179). This variant has not been reported in the literature in individuals affected with C1QB-related conditions. This variant is present in population databases (no rsID available, gnomAD 0.007%). This sequence change replaces arginine, which is basic and polar, with cysteine, which is neutral and slightly polar, at codon 156 of the C1QB protein (p.Arg156Cys).

NM_001378156.1(C1QB):c.460C>T (p.Arg154Cys)

Gene: C1QB (complement C1q B chain; plus strand). Cytogenetic location: 1p36.12.
Variant type: single nucleotide variant.
Coding change: c.460C>T on transcript NM_001378156.1 (MANE Select); coding-DNA position 460, C replaced by T.
Protein change: p.Arg154Cys; replaces arginine 154 with cysteine.
Molecular consequence: missense variant.
Genome position (GRCh38, 1-based): chr1:22,661,090, C>T. VCF-style: chr1-22661090-C-T. GRCh37 (hg19) VCF-style: chr1-22987583-C-T.
Other names: c.466C>T, p.Arg156Cys (NM_000491.5); c.460C>T, p.Arg154Cys (NM_001371184.3); short protein forms R154C, R156C.
Identifiers: ClinVar variation 1348179 (VCV001348179.6), dbSNP rs1375557492, ClinGen allele CA338947798.